The following is an entry in ClinVar:

ClinVar aggregate classification (germline): Uncertain significance (1 of 4 stars; one submission).

Allele frequency attached by ClinVar (database versions not stated): gnomAD exomes below 0.00001; TOPMed below 0.00001; gnomAD 0.00001.

Submission:

Labcorp Genetics (formerly Invitae), Labcorp
Classification: Uncertain significance. Last evaluated: 2021-11-03. Review status: criteria provided, single submitter. Criteria: Invitae Variant Classification Sherloc (09022015). Collection method: clinical testing. Allele origin: germline.
Comment: In summary, the available evidence is currently insufficient to determine the role of this variant in disease. Therefore, it has been classified as a Variant of Uncertain Significance. Algorithms developed to predict the effect of missense changes on protein structure and function are either unavailable or do not agree on the potential impact of this missense change (SIFT: "Deleterious"; PolyPhen-2: "Possibly Damaging"; Align-GVGD: "Class C0"). This variant has not been reported in the literature in individuals affected with CARMIL2-related conditions. This variant is not present in population databases (gnomAD no frequency). This sequence change replaces glutamic acid, which is acidic and polar, with glycine, which is neutral and non-polar, at codon 662 of the CARMIL2 protein (p.Glu662Gly).

NM_001013838.3(CARMIL2):c.1985A>G (p.Glu662Gly)

Gene: CARMIL2 (capping protein regulator and myosin 1 linker 2; plus strand). Cytogenetic location: 16q22.1.
Variant type: single nucleotide variant.
Coding change: c.1985A>G on transcript NM_001013838.3 (MANE Select); coding-DNA position 1985, A replaced by G.
Protein change: p.Glu662Gly; replaces glutamic acid 662 with glycine.
Molecular consequence: missense variant.
Genome position (GRCh38, 1-based): chr16:67,649,871, A>G. VCF-style: chr16-67649871-A-G. GRCh37 (hg19) VCF-style: chr16-67683774-A-G.
Other names: c.1877A>G, p.Glu626Gly (NM_001317026.3); short protein forms E626G, E662G.
Identifiers: ClinVar variation 1385808 (VCV001385808.4), dbSNP rs1226261634, ClinGen allele CA396339478.